The following is an entry in ClinVar:

NM_015175.3(NBEAL2):c.6922G>T (p.Ala2308Ser)

Gene: NBEAL2 (neurobeachin like 2; plus strand). Cytogenetic location: 3p21.31.
Variant type: single nucleotide variant.
Coding change: c.6922G>T on transcript NM_015175.3 (MANE Select); coding-DNA position 6922, G replaced by T.
Protein change: p.Ala2308Ser; replaces alanine 2308 with serine.
Molecular consequence: missense variant.
Genome position (GRCh38, 1-based): chr3:47,006,167, G>T. VCF-style: chr3-47006167-G-T. GRCh37 (hg19) VCF-style: chr3-47047657-G-T.
Other names: c.6820G>T, p.Ala2274Ser (NM_001365116.2); short protein forms A2274S, A2308S.
Identifiers: ClinVar variation 4853451 (VCV004853451.2).

ClinVar aggregate classification (germline): Uncertain significance. Review status: criteria provided, multiple submitters, no conflicts (2 of 4 stars). 2 submissions from 2 submitters: Uncertain significance (2). Last evaluated 2026-05-08.

gnomAD v4.1: 22 of 1,613,750 alleles (0.0014%); highest among the groups gnomAD compares: African/African-American, 0.021%; no homozygotes.

Submissions (2):

Women's Health and Genetics/Laboratory Corporation of America, LabCorp
Classification: Uncertain significance. Last evaluated: 2026-05-08. Review status: criteria provided, single submitter. Criteria: LabCorp Variant Classification Summary - May 2015. Collection method: clinical testing. Allele origin: germline.
Comment: Variant summary: NBEAL2 c.6922G>T (p.Ala2308Ser) results in a conservative amino acid change in the encoded protein sequence. Algorithms developed to predict the effect of missense changes on protein structure and function are either unavailable or do not agree on the potential impact of this missense change. Consensus agreement among computation tools predict no significant impact on normal splicing. However, these predictions have yet to be confirmed by functional studies. The variant allele was found at a frequency of 8e-06 in 248788 control chromosomes. The available data on variant occurrences in the general population are insufficient to allow any conclusion about variant significance. To our knowledge, no occurrence of c.6922G>T in individuals affected with NBEAL2-related conditions and no experimental evidence demonstrating its impact on protein function have been reported. No submitters have cited clinical-significance assessments for this variant to ClinVar. Based on the evidence outlined above, the variant was classified as uncertain significance.

Blueprint Genetics
Classification: Uncertain significance. Last evaluated: 2023-07-13. Review status: criteria provided, single submitter. Criteria: ACMG Guidelines, 2015. Collection method: clinical testing. Allele origin: germline.